The following is an entry in ClinVar:

ClinVar aggregate classification (germline): Uncertain significance (1 of 4 stars; one submission).

Conditions:
Cohen syndrome (COH1). Also called: PEPPER SYNDROME; Cutis verticis gyrata, retinitis pigmentosa, and sensorineural deafness. Identifiers: Orphanet 193, MedGen C0265223, MONDO:0008999, OMIM 216550.

Allele frequency attached by ClinVar (database versions not stated): TOPMed below 0.00001; gnomAD 0.00001.
gnomAD v4.1: 9 of 1,613,508 alleles (0.00056%); highest among the groups gnomAD compares: African/African-American, 0.0013%; no homozygotes.

Submission:

Labcorp Genetics (formerly Invitae), Labcorp
Classification: Uncertain significance for Cohen syndrome. Last evaluated: 2022-09-27. Review status: criteria provided, single submitter. Criteria: Invitae Variant Classification Sherloc (09022015). Collection method: clinical testing. Allele origin: germline.
Comment: This sequence change replaces glycine, which is neutral and non-polar, with valine, which is neutral and non-polar, at codon 1780 of the VPS13B protein (p.Gly1780Val). This variant is not present in population databases (gnomAD no frequency). This variant has not been reported in the literature in individuals affected with VPS13B-related conditions. Advanced modeling of protein sequence and biophysical properties (such as structural, functional, and spatial information, amino acid conservation, physicochemical variation, residue mobility, and thermodynamic stability) performed at Invitae indicates that this missense variant is not expected to disrupt VPS13B protein function. In summary, the available evidence is currently insufficient to determine the role of this variant in disease. Therefore, it has been classified as a Variant of Uncertain Significance.

NM_152564.5(VPS13B):c.5264G>T (p.Gly1755Val)

Gene: VPS13B (vacuolar protein sorting 13 homolog B; plus strand). Cytogenetic location: 8q22.2.
Variant type: single nucleotide variant.
Coding change: c.5264G>T on transcript NM_152564.5 (MANE Select); coding-DNA position 5264, G replaced by T.
Protein change: p.Gly1755Val; replaces glycine 1755 with valine.
Molecular consequence: missense variant.
Genome position (GRCh38, 1-based): chr8:99,641,854, G>T. VCF-style: chr8-99641854-G-T. GRCh37 (hg19) VCF-style: chr8-100654082-G-T.
Other names: c.5339G>T, p.Gly1780Val (NM_017890.5); short protein forms G1755V, G1780V.
Identifiers: ClinVar variation 2177988 (VCV002177988.1), dbSNP rs1426875703, ClinGen allele CA371872177.